The following is an entry in ClinVar:

NM_007294.4(BRCA1):c.4987-8A>G

Gene: BRCA1 (BRCA1 DNA repair associated; minus strand). Cytogenetic location: 17q21.31.
Variant type: single nucleotide variant.
Coding change: c.4987-8A>G on transcript NM_007294.4 (MANE Select); 8 bases into the intron before coding-DNA position 4987, A replaced by G.
Molecular consequence: intron variant.
Genome position (GRCh38, 1-based): chr17:43,067,703, T>C on the plus strand (A>G on the coding strand, the complement: BRCA1 is on the minus strand). VCF-style: chr17-43067703-T-C. GRCh37 (hg19) VCF-style: chr17-41219720-T-C.
Other names: c.1534-8A>G (NM_001408458.1, NM_001408461.1, NM_001408464.1 and 7 more transcripts); c.4096-8A>G (NM_001407967.1); c.4606-8A>G (NM_001407959.1); c.4720-8A>G (NM_001407931.1, NM_001407932.1, NM_001407928.1 and 4 more transcripts); c.4843-8A>G (NM_001407747.1, NM_001407745.1, NM_001407737.1 and 21 more transcripts); c.4603-8A>G (NM_001407962.1, NM_001407960.1); c.1174-8A>G (NM_001408512.1); c.1297-8A>G (NM_001408510.1); and 71 more.
Identifiers: ClinVar variation 752564 (VCV000752564.12), dbSNP rs1597826282, ClinGen allele CA915950098.

ClinVar aggregate classification (germline): Likely benign (1 of 4 stars; one submission).

Conditions:
Hereditary breast ovarian cancer syndrome. Also called: BRCA1- and BRCA2-Associated Hereditary Breast and Ovarian Cancer; Hereditary breast and ovarian cancer syndrome (HBOC); Hereditary breast and ovarian cancer syndrome; Breast and ovarian cancer; Hereditary breast and ovarian cancer; Hereditary breast and/or ovarian cancer syndrome. Identifiers: Orphanet 145, MedGen C0677776, MeSH D061325, MONDO:0003582. Disease mechanism: loss of function.

Submissions (2):

Labcorp Genetics (formerly Invitae), Labcorp
Classification: Likely benign for Hereditary breast ovarian cancer syndrome. Last evaluated: 2018-09-13. Review status: criteria provided, single submitter. Criteria: Invitae Variant Classification Sherloc (09022015). Collection method: clinical testing. Allele origin: germline.

Brotman Baty Institute, University of Washington
No classification provided (evidence only). Condition: Breast-ovarian cancer, familial 1. Review status: no classification provided. Collection method: in vitro. Allele origin: not applicable. Functional consequence: functionally_normal. Not counted in ClinVar's aggregate classification.
ClinVar note: "not provided" was previously submitted as the classification for the variant. However, the classification appeared to be based only on an observation of functional data so it was converted to no classification on 2025-07-30.